The following is an entry in ClinVar:

NM_138576.4(BCL11B):c.1238_1261dup (p.Pro420_Gln421insProProGlyGlyThrProProPro)

Gene: BCL11B (BCL11 transcription factor B; minus strand). Cytogenetic location: 14q32.2.
Variant type: Duplication.
Coding change: c.1238_1261dup on transcript NM_138576.4 (MANE Select); coding-DNA positions 1238 to 1261, 24 bases duplicated (CCCCTGGCGGCACGCCGCCCCCGC).
Protein change: p.Pro420_Gln421insProProGlyGlyThrProProPro.
Genome position (GRCh38, 1-based): chr14:99,175,575-99,175,598, GCGGGGGCGGCGTGCCGCCAGGGG duplicated on the plus strand (CCCCTGGCGGCACGCCGCCCCCGC on the coding strand, the reverse complement: BCL11B is on the minus strand); duplicating any 24 consecutive bases within chr14:99,175,575-99,175,600 gives the same sequence; the c. name uses the placement nearest the transcript's 3' end. VCF-style (leftmost placement, unchanged base first): chr14-99175574-T-TGCGGGGGCGGCGTGCCGCCAGGGG. GRCh37 (hg19) VCF-style: chr14-99641911-T-TGCGGGGGCGGCGTGCCGCCAGGGG.
Other names: c.1235_1258dup, p.Pro419_Gln420insProProGlyGlyThrProProPro (NM_001282237.2); c.1022_1045dup, p.Pro348_Gln349insProProGlyGlyThrProProPro (NM_001282238.2); c.1025_1048dup, p.Pro349_Gln350insProProGlyGlyThrProProPro (NM_022898.3).
Identifiers: ClinVar variation 4839815 (VCV004839815.1).

ClinVar aggregate classification (germline): Uncertain significance (1 of 4 stars; one submission).

Conditions:
Inborn genetic diseases. Identifiers: MedGen C0950123, MeSH D030342.

Submission:

Ambry Genetics
Classification: Uncertain significance for Inborn genetic diseases. Last evaluated: 2026-02-10. Review status: criteria provided, single submitter. Criteria: Ambry Variant Classification Scheme 2023. Collection method: clinical testing. Allele origin: germline.
Comment: The c.1238_1261dupCCCCTGGCGGCACGCCGCCCCCGC (p.P413_P420dup) alteration is located in exon 4 (coding exon 4) of the BCL11B gene. The alteration consists of an in-frame duplication of 24 nucleotides from position 1238 to 1261, resulting in the duplication of 8 residues. This variant was not reported in population-based cohorts in the Genome Aggregation Database (gnomAD). Based on insufficient or conflicting evidence, the clinical significance of this alteration remains unclear.